The following is an entry in ClinVar:

ClinVar aggregate classification (germline): Uncertain significance (1 of 4 stars; one submission).

Conditions:
Dilated cardiomyopathy 1DD (CMD1DD). Identifiers: Orphanet 154, MedGen C2750995, MONDO:0013168, OMIM 613172.

Submission:

Labcorp Genetics (formerly Invitae), Labcorp
Classification: Uncertain significance for Dilated cardiomyopathy 1DD. Last evaluated: 2024-05-21. Review status: criteria provided, single submitter. Criteria: Invitae Variant Classification Sherloc (09022015). Collection method: clinical testing. Allele origin: germline.
Comment: This sequence change replaces arginine, which is basic and polar, with proline, which is neutral and non-polar, at codon 634 of the RBM20 protein (p.Arg634Pro). This variant is not present in population databases (gnomAD no frequency). This missense change has been observed in individual(s) with arrhythmogenic cardiomyopathy (PMID: 33232181). Advanced modeling of protein sequence and biophysical properties (such as structural, functional, and spatial information, amino acid conservation, physicochemical variation, residue mobility, and thermodynamic stability) has been performed at Invitae for this missense variant, however the output from this modeling did not meet the statistical confidence thresholds required to predict the impact of this variant on RBM20 protein function. This variant disrupts the p.Arg634 amino acid residue in RBM20. Other variant(s) that disrupt this residue have been determined to be pathogenic (PMID: 20590677, 29447731, 29540472, 29895960, 30557877). This suggests that this residue is clinically significant, and that variants that disrupt this residue are likely to be disease-causing. In summary, the available evidence is currently insufficient to determine the role of this variant in disease. Therefore, it has been classified as a Variant of Uncertain Significance.

Literature cited by the submitters: PubMed 33232181; PubMed 20590677; PubMed 29447731; PubMed 29540472; PubMed 29895960; PubMed 30557877.

NM_001134363.3(RBM20):c.1901G>C (p.Arg634Pro)

Gene: RBM20 (RNA binding motif protein 20; plus strand). Cytogenetic location: 10q25.2.
Variant type: single nucleotide variant.
Coding change: c.1901G>C on transcript NM_001134363.3 (MANE Select); coding-DNA position 1901, G replaced by C.
Protein change: p.Arg634Pro; replaces arginine 634 with proline.
Molecular consequence: missense variant.
Genome position (GRCh38, 1-based): chr10:110,812,298, G>C. VCF-style: chr10-110812298-G-C. GRCh37 (hg19) VCF-style: chr10-112572056-G-C.
Other names: short protein forms R634P.
Identifiers: ClinVar variation 3677094 (VCV003677094.2).